The following is an entry in ClinVar:

ClinVar aggregate classification (germline): Uncertain significance (1 of 4 stars; one submission).

Conditions:
Intellectual developmental disorder 61. Also called: INTELLECTUAL DEVELOPMENTAL DISORDER, AUTOSOMAL DOMINANT 61; MENTAL RETARDATION, AUTOSOMAL DOMINANT 61. Identifiers: MedGen C5231400, MONDO:0032485, OMIM 618009.

Submission:

Neuberg Centre For Genomic Medicine, NCGM
Classification: Uncertain significance for Intellectual developmental disorder 61. Review status: criteria provided, single submitter. Criteria: ACMG Guidelines, 2015. Collection method: clinical testing. Allele origin: germline. Inheritance: Autosomal dominant inheritance. Affected: yes.
Comment: The missense variant c.742G>Ap.Glu248Lys in the MED13 gene has not been reported previously as a pathogenic variant nor as a benign variant, to our knowledge. This variant is novel not in any individuals in gnomAD Exomes and 1000 Genomes. The amino acid Glutamic Acid at position 248 is changed to a Lysine changing protein sequence and it might alter its composition and physico-chemical properties. The amino acid change p.Glu248Lys in MED13 is predicted as conserved by GERP++ and PhyloP across 100 vertebrates. For these reasons, this variant has been classified as Uncertain Significance.

NM_005121.3(MED13):c.742G>A (p.Glu248Lys)

Gene: MED13 (mediator complex subunit 13; minus strand). Cytogenetic location: 17q23.2.
Variant type: single nucleotide variant.
Coding change: c.742G>A on transcript NM_005121.3 (MANE Select); coding-DNA position 742, G replaced by A.
Protein change: p.Glu248Lys; replaces glutamic acid 248 with lysine.
Molecular consequence: missense variant.
Genome position (GRCh38, 1-based): chr17:62,033,859, C>T on the plus strand (G>A on the coding strand, the complement: MED13 is on the minus strand). VCF-style: chr17-62033859-C-T. GRCh37 (hg19) VCF-style: chr17-60111220-C-T.
Other names: short protein forms E248K.
Identifiers: ClinVar variation 3234984 (VCV003234984.1), dbSNP rs2509166339, ClinGen allele CA400786139.
Genomic context (GRCh38, chr17:62,033,859, plus strand): 5'-CTACTGCAGCTAAAGAATCATCTTCCCAATCCATATCTTCCTGTTTTTCTTCAGACATCT[C>T]CTTCAAGCAACATGAGATAGGATAGAACTGTTTCCATTCACCAATTAATTTTTTTGTAGC-3'
Protein context (NP_005112.2, residues 238-258): QFYPISCCLK[Glu248Lys]MSEEKQEDMD